The following is an entry in ClinVar:

NM_033004.4(NLRP1):c.4396A>G (p.Lys1466Glu)

Gene: NLRP1 (NLR family pyrin domain containing 1; minus strand). Cytogenetic location: 17p13.2.
Variant type: single nucleotide variant.
Coding change: c.4396A>G on transcript NM_033004.4 (MANE Select); coding-DNA position 4396, A replaced by G.
Protein change: p.Lys1466Glu; replaces lysine 1466 with glutamic acid.
Molecular consequence: missense variant. On other transcripts: intron variant (1).
Genome position (GRCh38, 1-based): chr17:5,514,780, T>C on the plus strand (A>G on the coding strand, the complement: NLRP1 is on the minus strand). VCF-style: chr17-5514780-T-C. GRCh37 (hg19) VCF-style: chr17-5418100-T-C.
Other names: c.4264A>G, p.Lys1422Glu (NM_014922.5); c.4306A>G, p.Lys1436Glu (NM_033006.4); c.4174A>G, p.Lys1392Glu (NM_033007.4); c.4069+2966A>G (NM_001033053.3); short protein forms K1392E, K1422E, K1436E, K1466E.
Identifiers: ClinVar variation 1720017 (VCV001720017.5), dbSNP rs1907869563, ClinGen allele CA397386176.
Genomic context (GRCh38, chr17:5,514,780, plus strand): 5'-CAGGACTCAAGGGTCAAGGGCTGGTGTTGATACTTCAGCTGCTGAGTGGCAGGAGTCCCT[T>C]TTTGCTGCCCTTCTCCCAGAGTTCCATAATGAGGTGAGGATGGGTCTCCTTCAGGGCTTG-3'
Protein context (NP_127497.1, residues 1456-1473): IMELWEKGSK[Lys1466Glu]GLLPLSS

ClinVar aggregate classification (germline): Uncertain significance (1 of 4 stars; one submission).

Allele frequency attached by ClinVar (database versions not stated): TOPMed 0.00001.

Submission:

Labcorp Genetics (formerly Invitae), Labcorp
Classification: Uncertain significance. Last evaluated: 2025-11-03. Review status: criteria provided, single submitter. Criteria: Invitae Variant Classification Sherloc (09022015). Collection method: clinical testing. Allele origin: germline.
Comment: This sequence change replaces lysine, which is basic and polar, with glutamic acid, which is acidic and polar, at codon 1466 of the NLRP1 protein (p.Lys1466Glu). This variant is not present in population databases (gnomAD no frequency). This variant has not been reported in the literature in individuals affected with NLRP1-related conditions. ClinVar contains an entry for this variant (Variation ID: 1720017). An algorithm developed to predict the effect of missense changes on protein structure and function outputs the following: PolyPhen-2: "Benign". The glutamic acid amino acid residue is found in multiple mammalian species, which suggests that this missense change does not adversely affect protein function. In summary, the available evidence is currently insufficient to determine the role of this variant in disease. Therefore, it has been classified as a Variant of Uncertain Significance.